The following is an entry in ClinVar:

NM_001376.5(DYNC1H1):c.8902A>G (p.Thr2968Ala)

Genes: DYNC1H1 (dynein cytoplasmic 1 heavy chain 1; plus strand), LOC126862060 (BRD4-independent group 4 enhancer GRCh37_chr14:102493659-102494858; plus strand). Cytogenetic location: 14q32.31.
Variant type: single nucleotide variant.
Coding change: c.8902A>G on transcript NM_001376.5 (MANE Select); coding-DNA position 8902, A replaced by G.
Protein change: p.Thr2968Ala; replaces threonine 2968 with alanine.
Molecular consequence: missense variant.
Genome position (GRCh38, 1-based): chr14:102,027,398, A>G. VCF-style: chr14-102027398-A-G. GRCh37 (hg19) VCF-style: chr14-102493735-A-G.
Other names: short protein forms T2968A.
Identifiers: ClinVar variation 1525903 (VCV001525903.6), dbSNP rs2152589038, ClinGen allele CA391010482.

ClinVar aggregate classification (germline): Uncertain significance (1 of 4 stars; one submission).

Conditions:
Charcot-Marie-Tooth disease axonal type 2O. Also called: CHARCOT-MARIE-TOOTH NEUROPATHY, AXONAL, TYPE 2O; CHARCOT-MARIE-TOOTH DISEASE, AXONAL, AUTOSOMAL DOMINANT, TYPE 2O; Charcot-Marie-Tooth Neuropathy Type 2O; Charcot-Marie-Tooth disease, axonal, type 20. Identifiers: Orphanet 284232, MedGen C3280220, MONDO:0013644, OMIM 614228.

gnomAD v4.1: 5 of 1,614,180 alleles (0.00031%); highest among the groups gnomAD compares: Non-Finnish European, 0.00034%; no homozygotes.

Submission:

Labcorp Genetics (formerly Invitae), Labcorp
Classification: Uncertain significance for Charcot-Marie-Tooth disease axonal type 2O. Last evaluated: 2021-10-15. Review status: criteria provided, single submitter. Criteria: Invitae Variant Classification Sherloc (09022015). Collection method: clinical testing. Allele origin: germline.
Comment: Advanced modeling of protein sequence and biophysical properties (such as structural, functional, and spatial information, amino acid conservation, physicochemical variation, residue mobility, and thermodynamic stability) performed at Invitae indicates that this missense variant is not expected to disrupt DYNC1H1 protein function. In summary, the available evidence is currently insufficient to determine the role of this variant in disease. Therefore, it has been classified as a Variant of Uncertain Significance. This variant has not been reported in the literature in individuals affected with DYNC1H1-related conditions. This sequence change replaces threonine with alanine at codon 2968 of the DYNC1H1 protein (p.Thr2968Ala). The threonine residue is highly conserved and there is a small physicochemical difference between threonine and alanine. This variant is not present in population databases (ExAC no frequency).